The following is an entry in ClinVar:

ClinVar aggregate classification (germline): Likely benign. Review status: criteria provided, multiple submitters, no conflicts (2 of 4 stars). 3 submissions from 3 submitters: Likely benign (3). Last evaluated 2025-07-03.

Conditions:
Early-infantile DEE. Also called: Ohtahara syndrome; Early infantile epileptic encephalopathy with suppression bursts; Early infantile epileptic encephalopathy. Identifiers: Orphanet 1934, MedGen C0393706, MONDO:0800491.

Allele frequency attached by ClinVar (database versions not stated): gnomAD exomes 0.00002 and 0.00003; ExAC 0.00006; ESP Exome Variant Server 0.00008; gnomAD 0.00011 and 0.00013; TOPMed 0.00012.
gnomAD v4.1: 50 of 1,613,538 alleles (0.0031%); highest among the groups gnomAD compares: African/African-American, 0.041%; no homozygotes.

Submissions (3):

Labcorp Genetics (formerly Invitae), Labcorp
Classification: Likely benign for Early-infantile DEE. Last evaluated: 2025-07-03. Review status: criteria provided, single submitter. Criteria: Invitae Variant Classification Sherloc (09022015). Collection method: clinical testing. Allele origin: germline.

CeGaT Center for Human Genetics Tuebingen
Classification: Likely benign. Last evaluated: 2024-08-01. Review status: criteria provided, single submitter. Criteria: CeGaT Center For Human Genetics Tuebingen Variant Classification Criteria Version 2. Collection method: clinical testing. Allele origin: germline. Affected: yes. Observed: 2 variant alleles.
Comment: GNAO1: BP4, BP7

GeneDx
Classification: Likely benign. Last evaluated: 2021-03-22. Review status: criteria provided, single submitter. Criteria: GeneDx Variant Classification Process June 2021. Collection method: clinical testing. Allele origin: germline. Affected: yes.

NM_020988.3(GNAO1):c.195C>T (p.Asp65=)

Gene: GNAO1 (G protein subunit alpha o1; plus strand). Cytogenetic location: 16q13.
Variant type: single nucleotide variant.
Coding change: c.195C>T on transcript NM_020988.3 (MANE Select); coding-DNA position 195, C replaced by T.
Protein change: p.Asp65=; no amino-acid change (aspartic acid 65 retained).
Molecular consequence: synonymous variant.
Genome position (GRCh38, 1-based): chr16:56,275,964, C>T. VCF-style: chr16-56275964-C-T. GRCh37 (hg19) VCF-style: chr16-56309876-C-T.
Other names: c.195C>T, p.Asp65= (NM_138736.3).
Identifiers: ClinVar variation 697955 (VCV000697955.47), dbSNP rs368113345, ClinGen allele CA8063707.